The following is an entry in ClinVar:

ClinVar aggregate classification (germline): Benign (1 of 4 stars; one submission).

Conditions:
Laron-type isolated somatotropin defect. Also called: GROWTH HORMONE RECEPTOR DEFICIENCY; Laron Syndrome; Growth hormone binding protein deficiency or dysfunction; Growth hormone receptor deficiency or dysfunction; Laron dwarfism; Laron type pituitary dwarfism I. Identifiers: Orphanet 633, MedGen C0271568, MONDO:0009877, OMIM 262500.

Allele frequency attached by ClinVar (database versions not stated): gnomAD 0.02559; TOPMed 0.02987; 1000 Genomes Project 30x 0.08479; 1000 Genomes Project 0.08886.

Submission:

Illumina Laboratory Services, Illumina
Classification: Benign for Laron-type isolated somatotropin defect. Last evaluated: 2018-01-13. Review status: criteria provided, single submitter. Criteria: ICSL Variant Classification Criteria 13 December 2019. Collection method: clinical testing. Allele origin: germline.
Comment: This variant was observed in the ICSL laboratory as part of a predisposition screen in an ostensibly healthy population. It had not been previously curated by ICSL or reported in the Human Gene Mutation Database (HGMD: prior to June 1st, 2018), and was therefore a candidate for classification through an automated scoring system. Utilizing variant allele frequency, disease prevalence and penetrance estimates, and inheritance mode, an automated score was calculated to assess if this variant is too frequent to cause the disease. Based on the score and internal cut-off values, a variant classified as benign is not then subjected to further curation. The score for this variant resulted in a classification of benign for this disease.

NM_000163.5(GHR):c.*692C>A

Gene: GHR (growth hormone receptor; plus strand). Cytogenetic location: 5p12.
Variant type: single nucleotide variant.
Coding change: c.*692C>A on transcript NM_000163.5 (MANE Select); 692 bases downstream of the stop codon, C replaced by A.
Molecular consequence: 3 prime UTR variant.
Genome position (GRCh38, 1-based): chr5:42,720,116, C>A. VCF-style: chr5-42720116-C-A. GRCh37 (hg19) VCF-style: chr5-42720218-C-A.
Other names: c.*692C>A (NM_001242399.2, NM_001242400.2, NM_001242401.4 and 6 more transcripts); c.*1651C>A (NM_001242462.1).
Identifiers: ClinVar variation 353698 (VCV000353698.5), dbSNP rs17839373, ClinGen allele CA10624620.